The following is an entry in ClinVar:

NM_007294.4(BRCA1):c.5524G>T (p.Val1842Leu)

Gene: BRCA1 (BRCA1 DNA repair associated; minus strand). Cytogenetic location: 17q21.31.
Variant type: single nucleotide variant.
Coding change: c.5524G>T on transcript NM_007294.4 (MANE Select); coding-DNA position 5524, G replaced by T.
Protein change: p.Val1842Leu; replaces valine 1842 with leucine.
Molecular consequence: missense variant. On other transcripts: 3 prime UTR variant (1), non-coding transcript variant (1).
Genome position (GRCh38, 1-based): chr17:43,045,746, C>A on the plus strand (G>T on the coding strand, the complement: BRCA1 is on the minus strand). VCF-style: chr17-43045746-C-A. GRCh37 (hg19) VCF-style: chr17-41197763-C-A.
Other names: c.5443G>T, p.Val1815Leu (NM_001407657.1, NM_001407658.1, NM_001407656.1); c.5440G>T, p.Val1814Leu (NM_001407659.1, NM_001407660.1, NM_001407661.1 and 2 more transcripts); c.5401G>T, p.Val1801Leu (NM_001407664.1, NM_001407665.1, NM_001407666.1 and 3 more transcripts); c.5311G>T, p.Val1771Leu (NM_001407571.1, NM_001407898.1, NM_001407899.1 and 12 more transcripts); c.5590G>T, p.Val1864Leu (NM_001407581.1, NM_001407582.1); c.5587G>T, p.Val1863Leu (NM_001407583.1, NM_001407585.1, NM_001407587.1 and 1 more transcripts); c.5584G>T, p.Val1862Leu (NM_001407590.1, NM_001407591.1); c.5524G>T, p.Val1842Leu (NM_001407593.1, NM_001407594.1, NM_001407596.1 and 5 more transcripts); and 74 more; short protein forms V1863L, V1842L, V738L, V1795L, V1673L, V1752L, V1758L, V1770L.
Identifiers: ClinVar variation 864969 (VCV000864969.3), dbSNP rs1296005499, ClinGen allele CA10590269.
Genomic context (GRCh38, chr17:43,045,746, plus strand): 5'-GGCTGTGGGGGATCTGGGGTATCAGGTAGGTGTCCAGCTCCTGGCACTGGTAGAGTGCTA[C>A]ACTGTCCAACACCCACTCTCGGGTCACCACAGGTGCCTCACACATCTGCCCAATTGCTGG-3'
Protein context (NP_009225.1, residues 1832-1852): VVTREWVLDS[Val1842Leu]ALYQCQELDT

Conditions:
Breast-ovarian cancer, familial, susceptibility to, 1 (BROVCA1). Also called: BRCA1 Hereditary Breast and Ovarian Cancer; OVARIAN CANCER, SUSCEPTIBILITY TO. Identifiers: Orphanet 145, MedGen C2676676, MONDO:0011450, OMIM 604370. Disease mechanism: loss of function.

Submission:

Brotman Baty Institute, University of Washington
No classification provided (evidence only). Condition: Breast-ovarian cancer, familial 1. Review status: no classification provided. Collection method: in vitro. Allele origin: not applicable. Functional consequence: functionally_normal.
ClinVar note: "not provided" was previously submitted as the classification for the variant. However, the classification appeared to be based only on an observation of functional data so it was converted to no classification on 2025-07-30.